The following is an entry in ClinVar:

NM_000169.3(GLA):c.369T>G (p.Tyr123Ter)

Genes: GLA (galactosidase alpha; minus strand), RPL36A-HNRNPH2 (RPL36A-HNRNPH2 readthrough; plus strand). Cytogenetic location: Xq22.1.
Variant type: single nucleotide variant.
Coding change: c.369T>G on transcript NM_000169.3 (MANE Select); coding-DNA position 369, T replaced by G.
Protein change: p.Tyr123Ter; replaces tyrosine 123 with a stop codon.
Molecular consequence: nonsense. On other transcripts: non-coding transcript variant (3), intron variant (2).
Genome position (GRCh38, 1-based): chrX:101,403,811, A>C on the plus strand (T>G on the coding strand, the complement: GLA is on the minus strand). VCF-style: chrX-101403811-A-C. GRCh37 (hg19) VCF-style: chrX-100658799-A-C.
Other names: c.492T>G, p.Tyr164Ter (NM_001406747.1, NM_001406749.1); c.369T>G, p.Tyr123Ter (NM_001406748.1); c.301-8125A>C (NM_001199973.2); c.178-8125A>C (NM_001199974.2); short protein forms Y123*, Y164*.
Identifiers: ClinVar variation 4087156 (VCV004087156.2).

ClinVar aggregate classification (germline): Pathogenic (1 of 4 stars; one submission).

Conditions:
Fabry disease. Also called: ALPHA-GALACTOSIDASE A DEFICIENCY; ANDERSON-FABRY DISEASE; CERAMIDE TRIHEXOSIDASE DEFICIENCY; GLA DEFICIENCY; HEREDITARY DYSTOPIC LIPIDOSIS; Angiokeratoma corporis diffusum. Identifiers: Orphanet 324, MedGen C0002986, MONDO:0010526, OMIM 301500, HP:0001071. Disease mechanism: Fabry disease is due to inactivating mutations in the X-linked GLA gene resulting in deficiency of the enzyme Alpha Galactosidase-A., loss of function.

Submission:

Genomenon, Inc
Classification: Pathogenic for Fabry disease. Last evaluated: 2026-09-08. Review status: criteria provided, single submitter. Criteria: Genomenon Sequence Variant Interpretation Standards - Updated. Collection method: curation. Allele origin: germline. Affected: yes.
Comment: GLA p.Tyr123Ter (c.369T>G) is a nonsense variant that introduces a premature stop codon at amino acid position 123 and is predicted to result in a truncated or absent protein product. This variant has been observed in at least one proband with clinical features consistent with Fabry disease (PMID:19265719). It is absent or not present at a significant frequency in gnomAD. In conclusion, we classify GLA p.Tyr123Ter (c.369T>G) as a pathogenic variant.

Literature cited by the submitters: PubMed 19265719.